The following is an entry in ClinVar:

ClinVar aggregate classification (germline): Uncertain significance. Review status: criteria provided, multiple submitters, no conflicts (2 of 4 stars). 2 submissions from 2 submitters: Uncertain significance (2). Last evaluated 2021-07-09.

Conditions:
Charcot-Marie-Tooth disease type 2. Also called: Charcot-Marie-Tooth type 2. Identifiers: Orphanet 64746, MedGen C0270914, MONDO:0018993.

Submissions (2):

Labcorp Genetics (formerly Invitae), Labcorp
Classification: Uncertain significance for Charcot-Marie-Tooth disease type 2. Last evaluated: 2021-07-09. Review status: criteria provided, single submitter. Criteria: Invitae Variant Classification Sherloc (09022015). Collection method: clinical testing. Allele origin: germline.
Comment: This variant is not present in population databases (ExAC no frequency). In summary, the available evidence is currently insufficient to determine the role of this variant in disease. Therefore, it has been classified as a Variant of Uncertain Significance. Algorithms developed to predict the effect of missense changes on protein structure and function are either unavailable or do not agree on the potential impact of this missense change (SIFT: "Deleterious"; PolyPhen-2: "Probably Damaging"; Align-GVGD: "Class C15"). This variant has not been reported in the literature in individuals affected with AARS-related conditions. This sequence change replaces glycine with arginine at codon 281 of the AARS protein (p.Gly281Arg). The glycine residue is highly conserved and there is a moderate physicochemical difference between glycine and arginine.

GeneDx
Classification: Uncertain significance. Last evaluated: 2019-03-30. Review status: criteria provided, single submitter. Criteria: GeneDx Variant Classification Process June 2021. Collection method: clinical testing. Allele origin: germline. Affected: yes.
Comment: Not observed in large population cohorts (Lek et al., 2016); In silico analysis, which includes protein predictors and evolutionary conservation, supports a deleterious effect; Has not been previously published as pathogenic or benign to our knowledge

NM_001605.3(AARS1):c.841G>C (p.Gly281Arg)

Gene: AARS1 (alanyl-tRNA synthetase 1; minus strand). Cytogenetic location: 16q22.1.
Variant type: single nucleotide variant.
Coding change: c.841G>C on transcript NM_001605.3 (MANE Select); coding-DNA position 841, G replaced by C.
Protein change: p.Gly281Arg; replaces glycine 281 with arginine.
Molecular consequence: missense variant.
Genome position (GRCh38, 1-based): chr16:70,269,739, C>G on the plus strand (G>C on the coding strand, the complement: AARS1 is on the minus strand). VCF-style: chr16-70269739-C-G. GRCh37 (hg19) VCF-style: chr16-70303642-C-G.
Other names: short protein forms G281R.
Identifiers: ClinVar variation 1308449 (VCV001308449.9), dbSNP rs750278639, ClinGen allele CA396564869.